The following is an entry in ClinVar:

ClinVar aggregate classification (germline): Likely benign (1 of 4 stars; one submission).

gnomAD v4.1: 13 of 1,614,000 alleles (0.00081%); highest among the groups gnomAD compares: South Asian, 0.0066%; no homozygotes.

Submission:

CeGaT Center for Human Genetics Tuebingen
Classification: Likely benign. Last evaluated: 2024-11-01. Review status: criteria provided, single submitter. Criteria: CeGaT Center For Human Genetics Tuebingen Variant Classification Criteria Version 2. Collection method: clinical testing. Allele origin: germline. Affected: yes. Observed: 1 variant allele.
Comment: OAS1: BP4

NM_016816.4(OAS1):c.1038+49G>A

Gene: OAS1 (2'-5'-oligoadenylate synthetase 1; plus strand). Cytogenetic location: 12q24.13.
Variant type: single nucleotide variant.
Coding change: c.1038+49G>A on transcript NM_016816.4 (MANE Select); 49 bases into the intron after coding-DNA position 1038, G replaced by A.
Molecular consequence: intron variant. On other transcripts: missense variant (3), non-coding transcript variant (2).
Genome position (GRCh38, 1-based): chr12:112,917,749, G>A. VCF-style: chr12-112917749-G-A. GRCh37 (hg19) VCF-style: chr12-113355554-G-A.
Other names: c.1063G>A, p.Glu355Lys (NM_001406024.1); c.613G>A, p.Glu205Lys (NM_001406030.1); c.1087G>A, p.Glu363Lys (NM_002534.4); c.1038+49G>A (NM_001320151.2, NM_001406022.1, NM_001032409.3); c.1014+49G>A (NM_001406025.1, NM_001406023.1, NM_001406021.1 and 1 more transcripts); c.564+49G>A (NM_001406029.1, NM_001406027.1, NM_001406026.1); short protein forms E205K, E355K, E363K.
Identifiers: ClinVar variation 3389322 (VCV003389322.14).
Genomic context (GRCh38, chr12:112,917,749, plus strand): 5'-TGGATTCTGCTGGTGAGACCTCCTGCTTCCTCCCTGCCATTCATCCCTGCCCCTCTCCAT[G>A]AAGCTTGAGACATATAGCTGGAGACCATTCTTTCCAAAGAACTTACCTCTTGCCAAAGGC-3'